The following is an entry in ClinVar:

NM_003331.5(TYK2):c.1444C>T (p.Arg482Cys)

Gene: TYK2 (tyrosine kinase 2; minus strand). Cytogenetic location: 19p13.2.
Variant type: single nucleotide variant.
Coding change: c.1444C>T on transcript NM_003331.5 (MANE Select); coding-DNA position 1444, C replaced by T.
Protein change: p.Arg482Cys; replaces arginine 482 with cysteine.
Molecular consequence: missense variant.
Genome position (GRCh38, 1-based): chr19:10,362,581, G>A on the plus strand (C>T on the coding strand, the complement: TYK2 is on the minus strand). VCF-style: chr19-10362581-G-A. GRCh37 (hg19) VCF-style: chr19-10473257-G-A.
Other names: short protein forms R482C.
Identifiers: ClinVar variation 889611 (VCV000889611.7), dbSNP rs146770568, ClinGen allele CA9193420.

ClinVar aggregate classification (germline): Uncertain significance. Review status: criteria provided, multiple submitters, no conflicts (2 of 4 stars). 2 submissions from 2 submitters: Uncertain significance (2). Last evaluated 2022-06-24.

Conditions:
Immunodeficiency 35 (IMD35). Also called: HIES WITH ATYPICAL MYCOBACTERIOSIS, AUTOSOMAL RECESSIVE; HYPER-IgE SYNDROME WITH ATYPICAL MYCOBACTERIOSIS, AUTOSOMAL RECESSIVE; TYK2 DEFICIENCY; Susceptibility to infection due to TYK2 deficiency. Identifiers: Orphanet 331226, MedGen C1969086, MONDO:0012682, OMIM 611521.

Allele frequency attached by ClinVar (database versions not stated): ExAC below 0.00001; gnomAD 0.00001 and 0.00002; gnomAD exomes 0.00001; TOPMed 0.00001; 1000 Genomes Project 30x 0.00016; 1000 Genomes Project 0.00020.

Submissions (2):

Labcorp Genetics (formerly Invitae), Labcorp
Classification: Uncertain significance for Immunodeficiency 35. Last evaluated: 2022-06-24. Review status: criteria provided, single submitter. Criteria: Invitae Variant Classification Sherloc (09022015). Collection method: clinical testing. Allele origin: germline.
Comment: ClinVar contains an entry for this variant (Variation ID: 889611). Algorithms developed to predict the effect of missense changes on protein structure and function are either unavailable or do not agree on the potential impact of this missense change (SIFT: "Not Available"; PolyPhen-2: "Benign"; Align-GVGD: "Not Available"). In summary, the available evidence is currently insufficient to determine the role of this variant in disease. Therefore, it has been classified as a Variant of Uncertain Significance. This variant has not been reported in the literature in individuals affected with TYK2-related conditions. This sequence change replaces arginine, which is basic and polar, with cysteine, which is neutral and slightly polar, at codon 482 of the TYK2 protein (p.Arg482Cys). This variant is present in population databases (rs146770568, gnomAD 0.006%).

Illumina Laboratory Services, Illumina
Classification: Uncertain significance for Immunodeficiency 35. Last evaluated: 2018-01-12. Review status: criteria provided, single submitter. Criteria: ICSL Variant Classification Criteria 13 December 2019. Collection method: clinical testing. Allele origin: germline.